The following is an entry in ClinVar:

NM_001042492.3(NF1):c.6553A>G (p.Arg2185Gly)

Gene: NF1 (neurofibromin 1; plus strand). Cytogenetic location: 17q11.2.
Variant type: single nucleotide variant.
Coding change: c.6553A>G on transcript NM_001042492.3 (MANE Select); coding-DNA position 6553, A replaced by G.
Protein change: p.Arg2185Gly; replaces arginine 2185 with glycine.
Molecular consequence: missense variant.
Genome position (GRCh38, 1-based): chr17:31,337,493, A>G. VCF-style: chr17-31337493-A-G. GRCh37 (hg19) VCF-style: chr17-29664511-A-G.
Other names: c.6490A>G, p.Arg2164Gly (NM_000267.4); short protein forms R2164G, R2185G.
Identifiers: ClinVar variation 3237883 (VCV003237883.1), dbSNP rs2508753871.
Genomic context (GRCh38, chr17:31,337,493, plus strand): 5'-TTTGGCATTAGCAAAGTCAAGTCAGCTGCTGTCATTGCCTTCCGTTCCAGTTACCGGGAC[A>G]GGTCATTCTCTCCTGGCTCCTATGAGAGAGAGACTTTTGCTTTGACATCCTTGGAAACAG-3'
Protein context (NP_001035957.1, residues 2175-2195): VIAFRSSYRD[Arg2185Gly]SFSPGSYERE

ClinVar aggregate classification (germline): Uncertain significance (1 of 4 stars; one submission).

Conditions:
Hereditary cancer-predisposing syndrome. Also called: Neoplastic Syndromes, Hereditary; Tumor predisposition; Hereditary neoplastic syndrome; Hereditary Cancer Syndrome. Identifiers: Orphanet 140162, MedGen C0027672, MeSH D009386, MONDO:0015356.
Cardiovascular phenotype. Identifiers: MedGen CN230736.

Submission:

Ambry Genetics
Classification: Uncertain significance for Cardiovascular phenotype; Hereditary cancer-predisposing syndrome. Last evaluated: 2023-11-29. Review status: criteria provided, single submitter. Criteria: Ambry Variant Classification Scheme 2023. Collection method: clinical testing. Allele origin: germline.
Comment: The p.R2164G variant (also known as c.6490A>G), located in coding exon 42 of the NF1 gene, results from an A to G substitution at nucleotide position 6490. The arginine at codon 2164 is replaced by glycine, an amino acid with dissimilar properties. This amino acid position is conserved. In addition, this alteration is predicted to be tolerated by in silico analysis. Since supporting evidence is limited at this time, the clinical significance of this alteration remains unclear.